The following is an entry in ClinVar:

NM_000478.6(ALPL):c.253A>C (p.Thr85Pro)

Gene: ALPL (alkaline phosphatase, biomineralization associated; plus strand). Cytogenetic location: 1p36.12.
Variant type: single nucleotide variant.
Coding change: c.253A>C on transcript NM_000478.6 (MANE Select); coding-DNA position 253, A replaced by C.
Protein change: p.Thr85Pro; replaces threonine 85 with proline.
Molecular consequence: missense variant. On other transcripts: intron variant (1).
Genome position (GRCh38, 1-based): chr1:21,561,168, A>C. VCF-style: chr1-21561168-A-C. GRCh37 (hg19) VCF-style: chr1-21887661-A-C.
Other names: c.66+423A>C (NM_001177520.3); c.88A>C, p.Thr30Pro (NM_001127501.4); c.253A>C, p.Thr85Pro (NM_001369803.2, NM_001369804.2, NM_001369805.2); short protein forms T30P, T85P.
Identifiers: ClinVar variation 4086922 (VCV004086922.1).

ClinVar aggregate classification (germline): Likely pathogenic (1 of 4 stars; one submission).

Conditions:
Hypophosphatasia. Also called: Phosphoethanol-aminuria. Identifiers: Orphanet 436, MedGen C0020630, MeSH D007014, MONDO:0018570.

Submission:

Genomenon, Inc
Classification: Likely pathogenic for Hypophosphatasia. Last evaluated: 2025-08-29. Review status: criteria provided, single submitter. Criteria: Genomenon Sequence Variant Interpretation Standards. Collection method: curation. Allele origin: germline. Affected: yes.
Comment: ALPL c.253A>C is a missense variant that changes the amino acid at residue 85 from Threonine to Proline. This variant has been observed in at least one proband affected with hypophosphatasia (PMID:36361766). It is absent or not present at a significant frequency in gnomAD. In silico models agree that this variant is possibly or probably damaging. In conclusion, we classify ALPL p.Thr85Pro (c.253A>C) as a likely pathogenic variant.

Literature cited by the submitters: PubMed 36361766.